The following is an entry in ClinVar:

NM_000452.3(SLC10A2):c.1024G>A (p.Gly342Arg)

Gene: SLC10A2 (solute carrier family 10 member 2; minus strand). Cytogenetic location: 13q33.1.
Variant type: single nucleotide variant.
Coding change: c.1024G>A on transcript NM_000452.3 (MANE Select); coding-DNA position 1024, G replaced by A.
Protein change: p.Gly342Arg; replaces glycine 342 with arginine.
Molecular consequence: missense variant.
Genome position (GRCh38, 1-based): chr13:103,046,156, C>T on the plus strand (G>A on the coding strand, the complement: SLC10A2 is on the minus strand). VCF-style: chr13-103046156-C-T. GRCh37 (hg19) VCF-style: chr13-103698506-C-T.
Other names: c.1024G>A (NM_000452.2); short protein forms G342R.
Identifiers: ClinVar variation 2718996 (VCV002718996.6), dbSNP rs752749834, ClinGen allele CA7041952.

ClinVar aggregate classification (germline): Uncertain significance. Review status: criteria provided, multiple submitters, no conflicts (2 of 4 stars). 3 submissions from 3 submitters: Uncertain significance (2). 1 of the submissions does not count toward it. Last evaluated 2025-04-06.

Conditions:
SLC10A2-related disorder. Also called: SLC10A2-related condition.

Allele frequency attached by ClinVar (database versions not stated): gnomAD exomes below 0.00001; ExAC 0.00002; TOPMed 0.00002.
gnomAD v4.1: 5 of 1,613,866 alleles (0.00031%); highest among the groups gnomAD compares: Admixed American, 0.0017%; no homozygotes.

Submissions (3):

Ambry Genetics
Classification: Uncertain significance. Last evaluated: 2025-04-06. Review status: criteria provided, single submitter. Criteria: Ambry Variant Classification Scheme 2023. Collection method: clinical testing. Allele origin: germline.

Labcorp Genetics (formerly Invitae), Labcorp
Classification: Uncertain significance. Last evaluated: 2023-11-27. Review status: criteria provided, single submitter. Criteria: Invitae Variant Classification Sherloc (09022015). Collection method: clinical testing. Allele origin: germline.
Comment: This sequence change replaces glycine, which is neutral and non-polar, with arginine, which is basic and polar, at codon 342 of the SLC10A2 protein (p.Gly342Arg). This variant is present in population databases (rs752749834, gnomAD 0.003%). This variant has not been reported in the literature in individuals affected with SLC10A2-related conditions. An algorithm developed to predict the effect of missense changes on protein structure and function (PolyPhen-2) suggests that this variant is likely to be tolerated. In summary, the available evidence is currently insufficient to determine the role of this variant in disease. Therefore, it has been classified as a Variant of Uncertain Significance.

PreventionGenetics, part of Exact Sciences
Classification: Uncertain significance for SLC10A2-related condition. Last evaluated: 2024-02-05. Review status: no assertion criteria provided. Collection method: clinical testing. Allele origin: germline. Not counted in ClinVar's aggregate classification.
Comment: The SLC10A2 c.1024G>A variant is predicted to result in the amino acid substitution p.Gly342Arg. To our knowledge, this variant has not been reported in the literature. This variant is reported in 0.0026% of alleles in individuals of European (Non-Finnish) descent in gnomAD. At this time, the clinical significance of this variant is uncertain due to the absence of conclusive functional and genetic evidence.